The following is an entry in ClinVar:

NM_001323289.2(CDKL5):c.745-3C>G

Gene: CDKL5 (cyclin dependent kinase like 5; plus strand). Cytogenetic location: Xp22.13.
Variant type: single nucleotide variant.
Coding change: c.745-3C>G on transcript NM_001323289.2 (MANE Select); 3 bases into the intron before coding-DNA position 745, C replaced by G.
Molecular consequence: intron variant.
Genome position (GRCh38, 1-based): chrX:18,595,345, C>G. VCF-style: chrX-18595345-C-G. GRCh37 (hg19) VCF-style: chrX-18613465-C-G.
Other names: c.745-3C>G (NM_003159.3, NM_001037343.2).
Identifiers: ClinVar variation 1375269 (VCV001375269.6), dbSNP rs2147153520, ClinGen allele CA2573158456.

ClinVar aggregate classification (germline): Uncertain significance (1 of 4 stars; one submission).

Conditions:
Angelman syndrome-like. Identifiers: MedGen CN128785.
Developmental and epileptic encephalopathy, 2 (DEE2). Also called: INFANTILE SPASM SYNDROME, X-LINKED 2; CDKL5 deficiency disorder. Identifiers: Orphanet 1934, Orphanet 3451, Orphanet 505652, MedGen C4750718, MONDO:0010396, OMIM 300672.

Submission:

Labcorp Genetics (formerly Invitae), Labcorp
Classification: Uncertain significance for Developmental and epileptic encephalopathy, 2; Angelman syndrome-like. Last evaluated: 2022-03-29. Review status: criteria provided, single submitter. Criteria: Invitae Variant Classification Sherloc (09022015). Collection method: clinical testing. Allele origin: germline.
Comment: Variants that disrupt the consensus splice site are a relatively common cause of aberrant splicing (PMID: 17576681, 9536098). Algorithms developed to predict the effect of sequence changes on RNA splicing suggest that this variant may disrupt the consensus splice site. This variant has not been reported in the literature in individuals affected with CDKL5-related conditions. This variant is not present in population databases (gnomAD no frequency). This sequence change falls in intron 9 of the CDKL5 gene. It does not directly change the encoded amino acid sequence of the CDKL5 protein. It affects a nucleotide within the consensus splice site. In summary, the available evidence is currently insufficient to determine the role of this variant in disease. Therefore, it has been classified as a Variant of Uncertain Significance.

Literature cited by the submitters: PubMed 17576681; PubMed 9536098.